The following is an entry in ClinVar:

NM_032444.4(SLX4):c.2902G>C (p.Glu968Gln)

Gene: SLX4 (SLX4 structure-specific endonuclease subunit; minus strand). Cytogenetic location: 16p13.3.
Variant type: single nucleotide variant.
Coding change: c.2902G>C on transcript NM_032444.4 (MANE Select); coding-DNA position 2902, G replaced by C.
Protein change: p.Glu968Gln; replaces glutamic acid 968 with glutamine.
Molecular consequence: missense variant.
Genome position (GRCh38, 1-based): chr16:3,590,736, C>G on the plus strand (G>C on the coding strand, the complement: SLX4 is on the minus strand). VCF-style: chr16-3590736-C-G. GRCh37 (hg19) VCF-style: chr16-3640737-C-G.
Other names: c.2902G>C (NM_032444.2); short protein forms E968Q.
Identifiers: ClinVar variation 1356310 (VCV001356310.7), dbSNP rs777514343, ClinGen allele CA7866039.

ClinVar aggregate classification (germline): Uncertain significance. Review status: criteria provided, multiple submitters, no conflicts (2 of 4 stars). 3 submissions from 3 submitters: Uncertain significance (3). Last evaluated 2024-11-29.

Conditions:
Inborn genetic diseases. Identifiers: MedGen C0950123, MeSH D030342.
Fanconi anemia complementation group P. Also called: SLX4-Related Fanconi Anemia. Identifiers: Orphanet 84, MedGen C3469542, MONDO:0013499, OMIM 613951.
Fanconi anemia (FA). Also called: Fanconi's anemia. Identifiers: Orphanet 84, MedGen C0015625, MeSH D005199, MONDO:0019391.

Allele frequency attached by ClinVar (database versions not stated): gnomAD 0.00001; gnomAD exomes 0.00001; ExAC 0.00002; TOPMed 0.00002.

Submissions (3):

Ambry Genetics
Classification: Uncertain significance for Inborn genetic diseases. Last evaluated: 2024-11-29. Review status: criteria provided, single submitter. Criteria: Ambry Variant Classification Scheme 2023. Collection method: clinical testing. Allele origin: germline.

Fulgent Genetics
Classification: Uncertain significance for Fanconi anemia complementation group P. Last evaluated: 2022-04-05. Review status: criteria provided, single submitter. Criteria: ACMG Guidelines, 2015. Collection method: clinical testing. Allele origin: unknown.

Labcorp Genetics (formerly Invitae), Labcorp
Classification: Uncertain significance for Fanconi anemia. Last evaluated: 2021-09-17. Review status: criteria provided, single submitter. Criteria: Invitae Variant Classification Sherloc (09022015). Collection method: clinical testing. Allele origin: germline.
Comment: This sequence change replaces glutamic acid with glutamine at codon 968 of the SLX4 protein (p.Glu968Gln). The glutamic acid residue is weakly conserved and there is a small physicochemical difference between glutamic acid and glutamine. This variant is present in population databases (rs777514343, ExAC 0.02%). This variant has not been reported in the literature in individuals affected with SLX4-related conditions. Algorithms developed to predict the effect of missense changes on protein structure and function (SIFT, PolyPhen-2, Align-GVGD) all suggest that this variant is likely to be tolerated. In summary, the available evidence is currently insufficient to determine the role of this variant in disease. Therefore, it has been classified as a Variant of Uncertain Significance.